The following is an entry in ClinVar:

ClinVar aggregate classification (germline): Uncertain significance. Review status: criteria provided, multiple submitters, no conflicts (2 of 4 stars). 3 submissions from 3 submitters: Uncertain significance (3). Last evaluated 2025-10-14.

Conditions:
Inborn genetic diseases. Identifiers: MedGen C0950123, MeSH D030342.
Wilms tumor 1 (WT1). Also called: Wilms tumor, somatic. Identifiers: Orphanet 654, MedGen CN033288, MONDO:0008679, OMIM 194070.
11p partial monosomy syndrome (WAGR). Also called: CHROMOSOME 11p13 DELETION SYNDROME; WAGR syndrome; WAGR Spectrum Disorder; WAGR Complex. Identifiers: Orphanet 893, MedGen C0206115, MONDO:0008681, OMIM 194072.
Drash syndrome (DDS). Also called: NEPHROPATHY, WILMS TUMOR, AND GENITAL ANOMALIES; WILMS TUMOR AND PSEUDO- OR TRUE HERMAPHRODITISM. Identifiers: Orphanet 220, MedGen C0950121, MONDO:0008682, OMIM 194080.
Frasier syndrome. Identifiers: Orphanet 347, MedGen C0950122, MeSH D052159, MONDO:0007635, OMIM 136680.

Submissions (3):

Labcorp Genetics (formerly Invitae), Labcorp
Classification: Uncertain significance for Wilms tumor 1; Drash syndrome; 11p partial monosomy syndrome; Frasier syndrome. Last evaluated: 2025-10-14. Review status: criteria provided, single submitter. Criteria: Invitae Variant Classification Sherloc (09022015). Collection method: clinical testing. Allele origin: germline.
Comment: This sequence change replaces proline, which is neutral and non-polar, with serine, which is neutral and polar, at codon 131 of the WT1 protein (p.Pro131Ser). This variant is not present in population databases (gnomAD no frequency). This variant has not been reported in the literature in individuals affected with WT1-related conditions. ClinVar contains an entry for this variant (Variation ID: 1983004). Invitae Evidence Modeling of protein sequence and biophysical properties (such as structural, functional, and spatial information, amino acid conservation, physicochemical variation, residue mobility, and thermodynamic stability) has been performed for this missense variant. However, the output from this modeling did not meet the statistical confidence thresholds required to predict the impact of this variant on WT1 protein function. In summary, the available evidence is currently insufficient to determine the role of this variant in disease. Therefore, it has been classified as a Variant of Uncertain Significance.

Ambry Genetics
Classification: Uncertain significance for Inborn genetic diseases. Last evaluated: 2024-12-16. Review status: criteria provided, single submitter. Criteria: Ambry Variant Classification Scheme 2023. Collection method: clinical testing. Allele origin: germline.
Comment: The p.P131S variant (also known as c.391C>T), located in coding exon 1 of the WT1 gene, results from a C to T substitution at nucleotide position 391. The proline at codon 131 is replaced by serine, an amino acid with similar properties. This amino acid position is conserved. In addition, this alteration is predicted to be tolerated by in silico analysis. Based on the available evidence, the clinical significance of this variant remains unclear.

All of Us Research Program, National Institutes of Health
Classification: Uncertain significance for Wilms tumor 1. Last evaluated: 2023-08-15. Review status: criteria provided, single submitter. Criteria: ACMG Guidelines, 2015. Collection method: clinical testing. Allele origin: germline. Inheritance: Autosomal dominant inheritance. Observed: 1 variant allele, 1 heterozygote.
Comment: This study involves interpretation of variants in research participants for the purpose of population health screening. Participant phenotype was not available at the time of variant classification. Additional details can be found in publication PMID: 35346344, PMCID: PMC8962531

NM_024426.6(WT1):c.406C>T (p.Pro136Ser)

Genes: WT1 (WT1 transcription factor; minus strand), LOC107982234 (WT1/WT1-AS bi-directional promoter region; plus strand). Cytogenetic location: 11p13.
Variant type: single nucleotide variant.
Coding change: c.406C>T on transcript NM_024426.6 (MANE Select); coding-DNA position 406, C replaced by T.
Protein change: p.Pro136Ser; replaces proline 136 with serine.
Molecular consequence: missense variant. On other transcripts: non-coding transcript variant (1).
Genome position (GRCh38, 1-based): chr11:32,434,955, G>A on the plus strand (C>T on the coding strand, the complement: WT1 is on the minus strand). VCF-style: chr11-32434955-G-A. GRCh37 (hg19) VCF-style: chr11-32456501-G-A.
Other names: c.406C>T, p.Pro136Ser (NM_000378.6, NM_001407044.1, NM_001407045.1 and 6 more transcripts); c.391C>T, p.Pro131Ser (NM_024425.2); short protein forms P131S, P136S.
Identifiers: ClinVar variation 1983004 (VCV001983004.6), dbSNP rs748045691, ClinGen allele CA379965757.